The following is an entry in ClinVar:

NM_000053.4(ATP7B):c.2072G>A (p.Gly691Glu)

Gene: ATP7B (ATPase copper transporting beta; minus strand). Cytogenetic location: 13q14.3.
Variant type: single nucleotide variant.
Coding change: c.2072G>A on transcript NM_000053.4 (MANE Select); coding-DNA position 2072, G replaced by A.
Protein change: p.Gly691Glu; replaces glycine 691 with glutamic acid.
Molecular consequence: missense variant. On other transcripts: intron variant (13).
Genome position (GRCh38, 1-based): chr13:51,960,197, C>T on the plus strand (G>A on the coding strand, the complement: ATP7B is on the minus strand). VCF-style: chr13-51960197-C-T. GRCh37 (hg19) VCF-style: chr13-52534333-C-T.
Other names: c.1739G>A, p.Gly580Glu (NM_001243182.2); c.2072G>A, p.Gly691Glu (NM_001330578.2, NM_001406511.1, NM_001406512.1 and 16 more transcripts); c.2039G>A, p.Gly680Glu (NM_001406514.1, NM_001406524.1); c.1976G>A, p.Gly659Glu (NM_001406517.1, NM_001406518.1, NM_001406530.1 and 1 more transcripts); c.1643G>A, p.Gly548Glu (NM_001406539.1); c.1870-2590G>A (NM_001406541.1, NM_001005918.3, NM_001406546.1 and 1 more transcripts); c.1870-1653G>A (NM_001406531.1, NM_001406532.1, NM_001406540.1 and 1 more transcripts); c.1774-1653G>A (NM_001406543.1); and 3 more; short protein forms G548E, G580E, G659E, G680E, G691E.
Identifiers: ClinVar variation 3576310 (VCV003576310.2).

ClinVar aggregate classification (germline): Uncertain significance. Review status: criteria provided, multiple submitters, no conflicts (2 of 4 stars). 2 submissions from 2 submitters: Uncertain significance (2). Last evaluated 2024-08-12.

Conditions:
Wilson disease (WND). Also called: Wilson's disease. Identifiers: Orphanet 905, MedGen C0019202, MONDO:0010200, OMIM 277900. Disease mechanism: loss of function.

Submissions (2):

Dr. Moinak Lab, Sanjay Gandhi Postgraduate Institute of Medical Sciences
Classification: Uncertain significance for Wilson disease. Last evaluated: 2024-08-12. Review status: criteria provided, single submitter. Criteria: ACMG Guidelines, 2015. Collection method: clinical testing. Allele origin: germline. Inheritance: Autosomal recessive inheritance. Affected: yes. Observed: 1 homozygote.
Comment: ATP7B: c.2072G>A is a novel variant involving a single nucleotide substitution from G to A in exon 7. This results in a non-synonymous change at codon 691, replacing the amino acid Glycine with Glutamic acid (p.Gly691Glu)

Fulgent Genetics
Classification: Uncertain significance for Wilson disease. Last evaluated: 2024-04-09. Review status: criteria provided, single submitter. Criteria: ACMG Guidelines, 2015. Collection method: clinical testing. Allele origin: germline.

Literature cited by the submitters: PubMed 17717039 (cited by Dr. Moinak Lab, Sanjay Gandhi Postgraduate Institute of Medical Sciences).